The following is an entry in ClinVar:

NM_001018071.4(FRMPD2):c.3588C>T (p.Asp1196=)

Gene: FRMPD2 (FERM and PDZ domain containing 2; minus strand). Cytogenetic location: 10q11.22.
Variant type: single nucleotide variant.
Coding change: c.3588C>T on transcript NM_001018071.4 (MANE Select); coding-DNA position 3588, C replaced by T.
Protein change: p.Asp1196=; no amino-acid change (aspartic acid 1196 retained).
Molecular consequence: synonymous variant.
Genome position (GRCh38, 1-based): chr10:48,163,621, G>A on the plus strand (C>T on the coding strand, the complement: FRMPD2 is on the minus strand). VCF-style: chr10-48163621-G-A. GRCh37 (hg19) VCF-style: chr10-49371664-G-A.
Other names: c.621C>T, p.Asp207= (NM_001042512.3); c.3513C>T, p.Asp1171= (NM_001318191.1).
Identifiers: ClinVar variation 2640439 (VCV002640439.24), dbSNP rs201205821, ClinGen allele CA5489422.

ClinVar aggregate classification (germline): Likely benign (1 of 4 stars; one submission).

Allele frequency attached by ClinVar (database versions not stated): ExAC 0.00013; gnomAD 0.00020; gnomAD exomes 0.00025.
gnomAD v4.1: 337 of 1,312,982 alleles (0.026%); highest among the groups gnomAD compares: Non-Finnish European, 0.033%; 3 homozygotes.

Submission:

CeGaT Center for Human Genetics Tuebingen
Classification: Likely benign. Last evaluated: 2022-06-01. Review status: criteria provided, single submitter. Criteria: CeGaT Center For Human Genetics Tuebingen Variant Classification Criteria Version 2. Collection method: clinical testing. Allele origin: germline. Affected: yes. Observed: 1 variant allele.
Comment: FRMPD2: BP4, BP7